The following is an entry in ClinVar:

ClinVar aggregate classification (germline): Benign/Likely benign. Review status: criteria provided, multiple submitters, no conflicts (2 of 4 stars). 6 submissions from 5 submitters: Benign (3); Likely benign (3). Last evaluated 2026-01-30.

Conditions:
Autosomal recessive Robinow syndrome (RRS1). Also called: ROBINOW SYNDROME, AUTOSOMAL RECESSIVE 1; COSTOVERTEBRAL SEGMENTATION DEFECT WITH MESOMELIA; COVESDEM SYNDROME; ROR2-Related Robinow Syndrome. Identifiers: Orphanet 1507, Orphanet 97360, MedGen C5399974, MONDO:0009999, OMIM 268310.
Brachydactyly type B1 (BDB1). Identifiers: Orphanet 572385, Orphanet 93383, MedGen C1862112, MONDO:0007220, OMIM 113000.

Allele frequency attached by ClinVar (database versions not stated): 1000 Genomes Project 30x 0.00156; 1000 Genomes Project 0.00160; ESP Exome Variant Server 0.00229; TOPMed 0.00289; gnomAD exomes 0.00304 and 0.00452; gnomAD 0.00307 and 0.00310; ExAC 0.00634.
gnomAD v4.1: 6,902 of 1,584,986 alleles (0.44%); highest among the groups gnomAD compares: Non-Finnish European, 0.5%; 27 homozygotes.

Submissions (6):

Labcorp Genetics (formerly Invitae), Labcorp
Classification: Benign. Last evaluated: 2026-01-30. Review status: criteria provided, single submitter. Criteria: Invitae Variant Classification Sherloc (09022015). Collection method: clinical testing. Allele origin: germline.

Fulgent Genetics
Classification: Likely benign for Brachydactyly type B1; Autosomal recessive Robinow syndrome. Last evaluated: 2021-07-23. Review status: criteria provided, single submitter. Criteria: ACMG Guidelines, 2015. Collection method: clinical testing. Allele origin: unknown.

Illumina Laboratory Services, Illumina
Classification: Benign for Brachydactyly type B1. Last evaluated: 2018-01-13. Review status: criteria provided, single submitter. Criteria: ICSL Variant Classification Criteria 13 December 2019. Collection method: clinical testing. Allele origin: germline.
Comment: This variant was observed in the ICSL laboratory as part of a predisposition screen in an ostensibly healthy population. It had not been previously curated by ICSL or reported in the Human Gene Mutation Database (HGMD: prior to June 1st, 2018), and was therefore a candidate for classification through an automated scoring system. Utilizing variant allele frequency, disease prevalence and penetrance estimates, and inheritance mode, an automated score was calculated to assess if this variant is too frequent to cause the disease. Based on the score and internal cut-off values, a variant classified as benign is not then subjected to further curation. The score for this variant resulted in a classification of benign for this disease.

Illumina Laboratory Services, Illumina
Classification: Likely benign for Autosomal recessive Robinow syndrome. Last evaluated: 2018-01-13. Review status: criteria provided, single submitter. Criteria: ICSL Variant Classification Criteria 13 December 2019. Collection method: clinical testing. Allele origin: germline.
Comment: This variant was observed in the ICSL laboratory as part of a predisposition screen in an ostensibly healthy population. It had not been previously curated by ICSL or reported in the Human Gene Mutation Database (HGMD: prior to June 1st, 2018), and was therefore a candidate for classification through an automated scoring system. Utilizing variant allele frequency, disease prevalence and penetrance estimates, and inheritance mode, an automated score was calculated to assess if this variant is too frequent to cause the disease. Based on the score and internal cut-off values, a variant classified as likely benign is not then subjected to further curation. The score for this variant resulted in a classification of likely benign for this disease.

Eurofins Ntd Llc (ga)
Classification: Benign. Last evaluated: 2015-02-04. Review status: criteria provided, single submitter. Criteria: EGL Classification Definitions 2015. Collection method: clinical testing. Allele origin: germline. Observed: 1 variant allele, 1 heterozygote.

PreventionGenetics, part of Exact Sciences
Classification: Likely benign. Review status: criteria provided, single submitter. Criteria: ACMG Guidelines, 2015. Collection method: clinical testing. Allele origin: germline.

NM_004560.4(ROR2):c.937+10C>T

Gene: ROR2 (receptor tyrosine kinase like orphan receptor 2; minus strand). Cytogenetic location: 9q22.31.
Variant type: single nucleotide variant.
Coding change: c.937+10C>T on transcript NM_004560.4 (MANE Select); 10 bases into the intron after coding-DNA position 937, C replaced by T.
Molecular consequence: intron variant.
Genome position (GRCh38, 1-based): chr9:91,733,112, G>A on the plus strand (C>T on the coding strand, the complement: ROR2 is on the minus strand). VCF-style: chr9-91733112-G-A. GRCh37 (hg19) VCF-style: chr9-94495394-G-A.
Other names: c.937+10C>T (NM_001318204.2).
Identifiers: ClinVar variation 198175 (VCV000198175.20), dbSNP rs201083970, ClinGen allele CA203297.
Genomic context (GRCh38, chr9:91,733,112, plus strand): 5'-CCCATACACATTTCAAGGGCCCTACACTCCCTGCGCCCCCCGGTCCCGCCCCGGGCCCTC[G>A]GGCACTCACAGCGGCCCAGCCTCTCGGCTGGGATGCCAATGCGCATGCAGTTGGCAGCGT-3'